The following is an entry in ClinVar:

NM_001943.5(DSG2):c.2241C>T (p.Thr747=)

Genes: DSG2 (desmoglein 2; plus strand), DSG2-AS1 (DSG2 antisense RNA 1; minus strand). Cytogenetic location: 18q12.1.
Variant type: single nucleotide variant.
Coding change: c.2241C>T on transcript NM_001943.5 (MANE Select); coding-DNA position 2241, C replaced by T.
Protein change: p.Thr747=; no amino-acid change (threonine 747 retained).
Molecular consequence: synonymous variant.
Genome position (GRCh38, 1-based): chr18:31,542,759, C>T. VCF-style: chr18-31542759-C-T. GRCh37 (hg19) VCF-style: chr18-29122722-C-T.
Other names: c.2241C>T (LRG_397t1).
Identifiers: ClinVar variation 512434 (VCV000512434.22), dbSNP rs767628208, ClinGen allele CA045315.

ClinVar aggregate classification (germline): Likely benign. Review status: criteria provided, multiple submitters, no conflicts (2 of 4 stars). 9 submissions from 9 submitters: Likely benign (6). 3 of the submissions do not count toward it. Last evaluated 2025-12-08.

Conditions:
Cardiovascular phenotype. Identifiers: MedGen CN230736.
Arrhythmogenic right ventricular cardiomyopathy (ARVD). Also called: Arrhythmogenic cardiomyopathy; Arrhythmogenic Right Ventricular Cardiomyopathy (ARVC); Cardiomyopathy, ARVC; Arrhythmogenic right ventricular dysplasia. Identifiers: Orphanet 247, MedGen C0349788, MeSH D019571, MONDO:0016587. Disease mechanism: loss of function. Inheritance: Various modes of inheritance.
Cardiomyopathy (CMYO). Also called: Cardiomyopathies. Identifiers: Orphanet 167848, MedGen C0878544, MONDO:0004994, HP:0001638. Inheritance: Various modes of inheritance.
Arrhythmogenic right ventricular dysplasia 10. Also called: Arrhythmogenic right ventricular dysplasia/cardiomyopathy, type 10; Arrhythmogenic Right Ventricular Dysplasia/Cardiomyopathy10; ARRHYTHMOGENIC RIGHT VENTRICULAR DYSPLASIA, FAMILIAL, 10. Identifiers: MedGen C1857777, MONDO:0012434, OMIM 610193.

Allele frequency attached by ClinVar (database versions not stated): ExAC 0.00002; TOPMed 0.00002; gnomAD exomes 0.00003; gnomAD 0.00006.

Submissions (9):

Labcorp Genetics (formerly Invitae), Labcorp
Classification: Likely benign for Arrhythmogenic right ventricular dysplasia 10. Last evaluated: 2025-12-08. Review status: criteria provided, single submitter. Criteria: Invitae Variant Classification Sherloc (09022015). Collection method: clinical testing. Allele origin: germline.

Molecular Diagnostic Laboratory for Inherited Cardiovascular Disease, Montreal Heart Institute
Classification: Likely benign. Last evaluated: 2025-04-09. Review status: criteria provided, single submitter. Criteria: ACMG Guidelines, 2015. Collection method: clinical testing. Allele origin: germline. Affected: no.

All of Us Research Program, National Institutes of Health
Classification: Likely benign for Arrhythmogenic right ventricular cardiomyopathy. Last evaluated: 2024-07-29. Review status: criteria provided, single submitter. Criteria: ACMG Guidelines, 2015. Collection method: clinical testing. Allele origin: germline. Inheritance: Autosomal dominant inheritance. Observed: 9 variant alleles, 9 heterozygotes.
Comment: This study involves interpretation of variants in research participants for the purpose of population health screening. Participant phenotype was not available at the time of variant classification. Additional details can be found in publication PMID: 35346344, PMCID: PMC8962531

Ambry Genetics
Classification: Likely benign for Cardiovascular phenotype. Last evaluated: 2020-12-02. Review status: criteria provided, single submitter. Criteria: Ambry Variant Classification Scheme 2023. Collection method: clinical testing. Allele origin: germline.

Color Diagnostics, LLC DBA Color Health
Classification: Likely benign for Cardiomyopathy. Last evaluated: 2019-03-24. Review status: criteria provided, single submitter. Criteria: ACMG Guidelines, 2015. Collection method: clinical testing. Allele origin: germline.

GeneDx
Classification: Likely benign. Last evaluated: 2019-03-01. Review status: criteria provided, single submitter. Criteria: GeneDx Variant Classification Process June 2021. Collection method: clinical testing. Allele origin: germline. Affected: yes.

Clinical Genetics DNA and cytogenetics Diagnostics Lab, Erasmus MC, Erasmus Medical Center
Classification: Likely benign. Review status: no assertion criteria provided. Collection method: clinical testing. Allele origin: germline. Affected: yes. Study: VKGL Data-share Consensus. Not counted in ClinVar's aggregate classification.

Clinical Genetics, Academic Medical Center
Classification: Benign. Review status: no assertion criteria provided. Collection method: clinical testing. Allele origin: germline. Affected: yes. Study: VKGL Data-share Consensus. Not counted in ClinVar's aggregate classification.

Joint Genome Diagnostic Labs from Nijmegen and Maastricht, Radboudumc and MUMC+
Classification: Likely benign. Review status: no assertion criteria provided. Collection method: clinical testing. Allele origin: germline. Affected: yes. Study: VKGL Data-share Consensus. Not counted in ClinVar's aggregate classification.